The following is an entry in ClinVar:

ClinVar aggregate classification (germline): Uncertain significance. Review status: criteria provided, multiple submitters, no conflicts (2 of 4 stars). 3 submissions from 3 submitters: Uncertain significance (3). Last evaluated 2024-05-21.

Conditions:
Orofaciodigital syndrome type 6 (OFD6). Also called: OROFACIODIGITAL SYNDROME VI; OFDS VI; POLYDACTYLY, CLEFT LIP/PALATE OR LINGUAL LUMP, AND PSYCHOMOTOR RETARDATION; VARADI SYNDROME; VARADI-PAPP SYNDROME; Oral-facial-digital syndrome type 6. Identifiers: Orphanet 2754, MedGen C2745997, MONDO:0010176, OMIM 277170.
Joubert syndrome 17 (JBTS17). Identifiers: Orphanet 475, MedGen C3553264, MONDO:0013824, OMIM 614615.

Allele frequency attached by ClinVar (database versions not stated): TOPMed below 0.00001; gnomAD 0.00001 and 0.00002; gnomAD exomes 0.00005; ExAC 0.00006.
gnomAD v4.1: 44 of 1,546,044 alleles (0.0028%); highest among the groups gnomAD compares: South Asian, 0.023%; no homozygotes.

Submissions (3):

Fulgent Genetics
Classification: Uncertain significance for Orofaciodigital syndrome type 6; Joubert syndrome 17. Last evaluated: 2024-05-21. Review status: criteria provided, single submitter. Criteria: ACMG Guidelines, 2015. Collection method: clinical testing. Allele origin: germline.

Labcorp Genetics (formerly Invitae), Labcorp
Classification: Uncertain significance. Last evaluated: 2021-07-29. Review status: criteria provided, single submitter. Criteria: Invitae Variant Classification Sherloc (09022015). Collection method: clinical testing. Allele origin: germline.
Comment: This sequence change replaces glutamic acid with lysine at codon 516 of the CPLANE1 protein (p.Glu516Lys). The glutamic acid residue is weakly conserved and there is a small physicochemical difference between glutamic acid and lysine. This variant is present in population databases (rs772553650, ExAC 0.02%). This variant has not been reported in the literature in individuals affected with CPLANE1-related conditions. ClinVar contains an entry for this variant (Variation ID: 1031353). Advanced modeling of protein sequence and biophysical properties (such as structural, functional, and spatial information, amino acid conservation, physicochemical variation, residue mobility, and thermodynamic stability) performed at Invitae indicates that this missense variant is not expected to disrupt CPLANE1 protein function. In summary, the available evidence is currently insufficient to determine the role of this variant in disease. Therefore, it has been classified as a Variant of Uncertain Significance.

Baylor Genetics
Classification: Uncertain significance for Joubert syndrome 17. Last evaluated: 2018-12-24. Review status: criteria provided, single submitter. Criteria: ACMG Guidelines, 2015. Collection method: clinical testing. Allele origin: unknown. Affected: yes.
Comment: This variant was determined to be of uncertain significance according to ACMG Guidelines, 2015 [PMID:25741868].

NM_001384732.1(CPLANE1):c.1546G>A (p.Glu516Lys)

Gene: CPLANE1 (ciliogenesis and planar polarity effector complex subunit 1; minus strand). Cytogenetic location: 5p13.2.
Variant type: single nucleotide variant.
Coding change: c.1546G>A on transcript NM_001384732.1 (MANE Select); coding-DNA position 1546, G replaced by A.
Protein change: p.Glu516Lys; replaces glutamic acid 516 with lysine.
Molecular consequence: missense variant.
Genome position (GRCh38, 1-based): chr5:37,227,049, C>T on the plus strand (G>A on the coding strand, the complement: CPLANE1 is on the minus strand). VCF-style: chr5-37227049-C-T. GRCh37 (hg19) VCF-style: chr5-37227151-C-T.
Other names: c.1546G>A, p.Glu516Lys (NM_023073.4); short protein forms E516K.
Identifiers: ClinVar variation 1031353 (VCV001031353.5), dbSNP rs772553650, ClinGen allele CA3239085.
Genomic context (GRCh38, chr5:37,227,049, plus strand): 5'-ACAGCACATCATCTCTTTTGTTCCAAAAAGGACATAAGTTGTCTGGAAAGTGTCTGCCTT[C>T]GTTAGTTTCTTCTGCTTCAAAATCCTAAAACATGAGGGGAAAAAAATGATACTTAATACC-3'
Protein context (NP_001371661.1, residues 506-526): FQDFEAEETN[Glu516Lys]GRHFPDNLCP